The following is an entry in ClinVar:

ClinVar aggregate classification (germline): Benign/Likely benign. Review status: criteria provided, multiple submitters, no conflicts (2 of 4 stars). 4 submissions from 4 submitters: Benign (3); Likely benign (1). Last evaluated 2022-04-27.

Conditions:
Bartsocas-Papas syndrome 1. Also called: MULTIPLE PTERYGIUM SYNDROME, ASLAN TYPE; Bartsocas-Papas syndrome; PTERYGIUM, POPLITEAL, LETHAL TYPE. Identifiers: Orphanet 1234, MedGen C1849718, MONDO:0009901, OMIM 263650.
Curly hair, ankyloblepharon, nail dysplasia syndrome (CHANDS). Also called: CHAND syndrome. Identifiers: Orphanet 1401, MedGen C0406733, MONDO:0008959, OMIM 214350.

Allele frequency attached by ClinVar (database versions not stated): ESP Exome Variant Server 0.00038; gnomAD 0.00088 and 0.00121; TOPMed 0.00145; gnomAD exomes 0.00253; ExAC 0.00266; 1000 Genomes Project 30x 0.00453; 1000 Genomes Project 0.00519.
gnomAD v4.1: 2,117 of 1,614,190 alleles (0.13%); highest among the groups gnomAD compares: East Asian, 2.8%; 29 homozygotes.

Submissions (4):

Fulgent Genetics
Classification: Likely benign for Curly hair, ankyloblepharon, nail dysplasia syndrome; Bartsocas-Papas syndrome 1. Last evaluated: 2022-04-27. Review status: criteria provided, single submitter. Criteria: ACMG Guidelines, 2015. Collection method: clinical testing. Allele origin: unknown.

Labcorp Genetics (formerly Invitae), Labcorp
Classification: Benign. Last evaluated: 2019-12-31. Review status: criteria provided, single submitter. Criteria: Invitae Variant Classification Sherloc (09022015). Collection method: clinical testing. Allele origin: germline.

Illumina Laboratory Services, Illumina
Classification: Benign for Bartsocas-Papas syndrome 1. Last evaluated: 2017-04-27. Review status: criteria provided, single submitter. Criteria: ICSL Variant Classification Criteria 13 December 2019. Collection method: clinical testing. Allele origin: germline.
Comment: This variant was observed as part of a predisposition screen in an ostensibly healthy population. A literature search was performed for the gene, cDNA change, and amino acid change (where applicable). No publications were found based on this search. Allele frequency data from public databases was too high to be consistent with this variant causing disease. Therefore, this variant is classified as benign.

Breakthrough Genomics
Classification: Benign. Review status: criteria provided, single submitter. Criteria: ACMG Guidelines, 2015. Collection method: not provided. Allele origin: germline. Inheritance: Autosomal recessive inheritance. Affected: yes.

NM_020639.3(RIPK4):c.303G>A (p.Thr101=)

Gene: RIPK4 (receptor interacting serine/threonine kinase 4; minus strand). Cytogenetic location: 21q22.3.
Variant type: single nucleotide variant.
Coding change: c.303G>A on transcript NM_020639.3 (MANE Select); coding-DNA position 303, G replaced by A.
Protein change: p.Thr101=; no amino-acid change (threonine 101 retained).
Molecular consequence: synonymous variant.
Genome position (GRCh38, 1-based): chr21:41,756,696, C>T on the plus strand (G>A on the coding strand, the complement: RIPK4 is on the minus strand). VCF-style: chr21-41756696-C-T. GRCh37 (hg19) VCF-style: chr21-43176856-C-T.
Identifiers: ClinVar variation 731263 (VCV000731263.10), dbSNP rs2277792, ClinGen allele CA10035802.